The following is an entry in ClinVar:

ClinVar aggregate classification (germline): Uncertain significance (1 of 4 stars; one submission).

Submission:

Ambry Genetics
Classification: Uncertain significance. Last evaluated: 2025-12-26. Review status: criteria provided, single submitter. Criteria: Ambry Variant Classification Scheme 2023. Collection method: clinical testing. Allele origin: germline.
Comment: The p.Q418H variant (also known as c.1254G>T), located in coding exon 6 of the GFI1 gene, results from a G to T substitution at nucleotide position 1254. The glutamine at codon 418 is replaced by histidine, an amino acid with highly similar properties. This amino acid position is conserved. In addition, this alteration is predicted to be tolerated by in silico analysis. Based on the available evidence, the clinical significance of this variant remains unclear.

NM_005263.5(GFI1):c.1254G>T (p.Gln418His)

Gene: GFI1 (growth factor independent 1 transcriptional repressor; minus strand). Cytogenetic location: 1p22.1.
Variant type: single nucleotide variant.
Coding change: c.1254G>T on transcript NM_005263.5 (MANE Select); coding-DNA position 1254, G replaced by T.
Protein change: p.Gln418His; replaces glutamine 418 with histidine.
Molecular consequence: missense variant.
Genome position (GRCh38, 1-based): chr1:92,476,044, C>A on the plus strand (G>T on the coding strand, the complement: GFI1 is on the minus strand). VCF-style: chr1-92476044-C-A. GRCh37 (hg19) VCF-style: chr1-92941601-C-A.
Other names: c.1254G>T, p.Gln418His (NM_001127215.3, NM_001127216.3); short protein forms Q418H.
Identifiers: ClinVar variation 4843282 (VCV004843282.1).